The following is an entry in ClinVar:

ClinVar aggregate classification (germline): Pathogenic (1 of 4 stars; one submission).

Submission:

Labcorp Genetics (formerly Invitae), Labcorp
Classification: Pathogenic. Last evaluated: 2025-01-27. Review status: criteria provided, single submitter. Criteria: Invitae Variant Classification Sherloc (09022015). Collection method: clinical testing. Allele origin: germline.
Comment: This sequence change creates a premature translational stop signal (p.His316Glnfs*22) in the RUNX2 gene. It is expected to result in an absent or disrupted protein product. Loss-of-function variants in RUNX2 are known to be pathogenic (PMID: 10521292, 11857736). This variant is not present in population databases (gnomAD no frequency). This variant has not been reported in the literature in individuals affected with RUNX2-related conditions. For these reasons, this variant has been classified as Pathogenic.

Literature cited by the submitters: PubMed 10521292; PubMed 11857736.

NM_001024630.4(RUNX2):c.947dup (p.His316fs)

Gene: RUNX2 (RUNX family transcription factor 2; plus strand). Cytogenetic location: 6p21.1.
Variant type: Duplication.
Coding change: c.947dup on transcript NM_001024630.4 (MANE Select); coding-DNA position 947, one base duplicated (A; older notation c.947dupA).
Protein change: p.His316fs; shifts the reading frame from histidine 316.
Molecular consequence: frameshift variant.
Genome position (GRCh38, 1-based): chr6:45,512,333, A duplicated. VCF-style (leftmost placement, unchanged base first): chr6-45512332-C-CA. GRCh37 (hg19) VCF-style: chr6-45480069-C-CA.
Other names: c.947dup, p.His316fs (NM_001015051.4); c.905dup, p.His302fs (NM_001278478.2, NM_001369405.1); short protein forms H316fs, H302fs.
Identifiers: ClinVar variation 3729681 (VCV003729681.2).